The following is an entry in ClinVar:

ClinVar aggregate classification (germline): Uncertain significance (1 of 4 stars; one submission).

gnomAD v4.1: 12 of 1,609,722 alleles (0.00075%); highest among the groups gnomAD compares: Admixed American, 0.0033%; no homozygotes.

Submission:

Dasa
Classification: Uncertain significance. Last evaluated: 2025-12-13. Review status: criteria provided, single submitter. Criteria: DASA Assertion Criteria. Collection method: clinical testing. Allele origin: germline.
Comment: NM_003128.3(SPTBN1):c.5234G>A (p.Arg1745Gln) is a missense variant that results in the substitution of arginine with glutamine. This variant is rare in population databases. The currently available literature and clinical evidence are not sufficient to establish a definitive association between this variant and the reported condition. Therefore, this variant is classified as a variant of uncertain significance.

NM_003128.3(SPTBN1):c.5234G>A (p.Arg1745Gln)

Gene: SPTBN1 (spectrin beta, non-erythrocytic 1; plus strand). Cytogenetic location: 2p16.2.
Variant type: single nucleotide variant.
Coding change: c.5234G>A on transcript NM_003128.3 (MANE Select); coding-DNA position 5234, G replaced by A.
Protein change: p.Arg1745Gln; replaces arginine 1745 with glutamine.
Molecular consequence: missense variant.
Genome position (GRCh38, 1-based): chr2:54,649,646, G>A. VCF-style: chr2-54649646-G-A. GRCh37 (hg19) VCF-style: chr2-54876783-G-A.
Other names: c.5195G>A, p.Arg1732Gln (NM_178313.3); short protein forms R1732Q, R1745Q.
Identifiers: ClinVar variation 4881893 (VCV004881893.2).